The following is an entry in ClinVar:

ClinVar aggregate classification (germline): Pathogenic. Review status: criteria provided, multiple submitters, no conflicts (2 of 4 stars). 5 submissions from 5 submitters: Pathogenic (5). Last evaluated 2025-10-14.

Conditions:
Inborn genetic diseases. Identifiers: MedGen C0950123, MeSH D030342.
Corneal dystrophy-perceptive deafness syndrome (CDPD). Also called: HARBOYAN SYNDROME; CORNEAL DYSTROPHY AND SENSORINEURAL DEAFNESS. Identifiers: Orphanet 1490, MedGen C1857572, MONDO:0009015, OMIM 217400.
SLC4A11-related disorder. Also called: SLC4A11-related condition.
Congenital hereditary endothelial dystrophy of cornea. Also called: Congenital hereditary endothelial dystrophy of the cornea; Maumenee corneal dystrophy; Corneal endothelial dystrophy, autosomal recessive; CORNEAL DYSTROPHY, CONGENITAL HEREDITARY ENDOTHELIAL; Congenital hereditary endothelial dystrophy type II. Identifiers: Orphanet 293603, MedGen C1857569, MONDO:0009019, OMIM 217700.
Corneal dystrophy, Fuchs endothelial, 4 (FECD4). Identifiers: Orphanet 98974, MedGen C2750450, MONDO:0013204, OMIM 613268.

Allele frequency attached by ClinVar (database versions not stated): gnomAD exomes below 0.00001; ExAC 0.00001.
gnomAD v4.1: 10 of 1,613,938 alleles (0.00062%); highest among the groups gnomAD compares: Non-Finnish European, 0.00085%; no homozygotes.

Submissions (5):

Ambry Genetics
Classification: Pathogenic for Inborn genetic diseases. Last evaluated: 2025-10-14. Review status: criteria provided, single submitter. Criteria: Ambry Variant Classification Scheme 2023. Collection method: clinical testing. Allele origin: germline.
Comment: The c.2188C>T (p.R730*) alteration, located in exon 16 (coding exon 16) of the SLC4A11 gene, consists of a C to T substitution at nucleotide position 2188. This changes the amino acid from an arginine (R) to a stop codon at amino acid position 730. This alteration is expected to result in loss of function by premature protein truncation or nonsense-mediated mRNA decay. Based on data from gnomAD, the T allele has an overall frequency of <0.001% (1/250772) total alleles studied. The highest observed frequency was 0.001% (1/113214) of European (non-Finnish) alleles. This variant has been identified in the homozygous state and/or in conjunction with other SLC4A11 variant(s) in individual(s) with features consistent with SLC4A11-related corneal endothelial dystrophy (Aldahmesh, 2009; Liskova, 2015). Note, this variant is also referred to as Arg757X in the literature. Based on the available evidence, this alteration is classified as pathogenic.

Natera, Inc.
Classification: Pathogenic for Corneal dystrophy-perceptive deafness syndrome. Last evaluated: 2024-03-11. Review status: criteria provided, single submitter. Criteria: Natera Variant Classification Schema (03/2026). Collection method: clinical testing. Allele origin: germline.
Comment: The c.2188C>T variant in SLC4A11 is a nonsense variant predicted to introduce a stop codon at amino acid 730. This variant is expected to result in nonsense mediated decay, truncation, or a dysfunctional protein product. This variant is rare in the general population with a frequency below the threshold expected for the associated phenotype(s). This variant has been observed in one or more individuals affected with the associated recessive disease, as either homozygous or compound heterozygous with a second variant (PMID: 25500497). Given the available evidence, this variant is classified as Pathogenic.

Labcorp Genetics (formerly Invitae), Labcorp
Classification: Pathogenic. Last evaluated: 2023-11-04. Review status: criteria provided, single submitter. Criteria: Invitae Variant Classification Sherloc (09022015). Collection method: clinical testing. Allele origin: germline.
Comment: This sequence change creates a premature translational stop signal (p.Arg730*) in the SLC4A11 gene. It is expected to result in an absent or disrupted protein product. Loss-of-function variants in SLC4A11 are known to be pathogenic (PMID: 17220209, 17679935). This variant is present in population databases (rs772409032, gnomAD 0.0009%). This premature translational stop signal has been observed in individuals with congenital hereditary endothelial dystrophy (PMID: 19369245, 25500497). This variant is also known as Arg757*. ClinVar contains an entry for this variant (Variation ID: 962167). For these reasons, this variant has been classified as Pathogenic.

PreventionGenetics, part of Exact Sciences
Classification: Pathogenic for SLC4A11-related condition. Last evaluated: 2023-08-22. Review status: criteria provided, single submitter. Criteria: ACMG Guidelines, 2015. Collection method: clinical testing. Allele origin: germline.
Comment: The SLC4A11 c.2188C>T variant is predicted to result in premature protein termination (p.Arg730*). This variant has been reported in the homozygous state in individuals with congenital corneal endothelial dystrophy (Aldahmesh et al. 2009. PubMed ID: 19369245). This variant is reported in 0.00088% of alleles in individuals of European (Non-Finnish) descent in gnomAD. Nonsense variants in SLC4A11 are expected to be pathogenic. This variant is interpreted as pathogenic.

Fulgent Genetics
Classification: Pathogenic for Corneal dystrophy-perceptive deafness syndrome; Congenital hereditary endothelial dystrophy of cornea; Corneal dystrophy, Fuchs endothelial, 4. Last evaluated: 2021-12-13. Review status: criteria provided, single submitter. Criteria: ACMG Guidelines, 2015. Collection method: clinical testing. Allele origin: unknown.

Literature cited by the submitters: PubMed 19369245 (cited by Ambry Genetics and Labcorp Genetics (formerly Invitae), Labcorp); PubMed 25500497 (cited by 3 submitters); PubMed 38990107 (cited by Ambry Genetics); PubMed 17220209 (cited by Labcorp Genetics (formerly Invitae), Labcorp); PubMed 17679935 (cited by Labcorp Genetics (formerly Invitae), Labcorp).

NM_001174089.2(SLC4A11):c.2140C>T (p.Arg714Ter)

Gene: SLC4A11 (solute carrier family 4 member 11; minus strand). Cytogenetic location: 20p13.
Variant type: single nucleotide variant.
Coding change: c.2140C>T on transcript NM_001174089.2 (MANE Select); coding-DNA position 2140, C replaced by T.
Protein change: p.Arg714Ter; replaces arginine 714 with a stop codon.
Molecular consequence: nonsense. On other transcripts: non-coding transcript variant (1).
Genome position (GRCh38, 1-based): chr20:3,228,890, G>A on the plus strand (C>T on the coding strand, the complement: SLC4A11 is on the minus strand). VCF-style: chr20-3228890-G-A. GRCh37 (hg19) VCF-style: chr20-3209536-G-A.
Other names: c.2269C>T, p.Arg757Ter (NM_001174090.2); c.2026C>T, p.Arg676Ter (NM_001363745.2); c.2188C>T, p.Arg730Ter (NM_032034.4); short protein forms R676*, R714*, R757*, R730*.
Identifiers: ClinVar variation 962167 (VCV000962167.14), dbSNP rs772409032, ClinGen allele CA9741579.